The following is an entry in ClinVar:

NM_001365088.1(SLC12A6):c.1650-1G>T

Gene: SLC12A6 (solute carrier family 12 member 6; minus strand). Cytogenetic location: 15q14.
Variant type: single nucleotide variant.
Coding change: c.1650-1G>T on transcript NM_001365088.1 (MANE Select); the canonical splice acceptor site of the intron before coding-DNA position 1650, G replaced by T.
Molecular consequence: splice acceptor variant.
Genome position (GRCh38, 1-based): chr15:34,245,868, C>A on the plus strand (G>T on the coding strand, the complement: SLC12A6 is on the minus strand). VCF-style: chr15-34245868-C-A. GRCh37 (hg19) VCF-style: chr15-34538069-C-A.
Other names: c.1473-1G>T (NM_001042495.2, NM_001042494.2); c.1623-1G>T (NM_001042496.2); c.1605-1G>T (NM_001042497.2); c.1650-1G>T (NM_133647.2); c.1497-1G>T (NM_005135.2).
Identifiers: ClinVar variation 2877987 (VCV002877987.3), dbSNP rs1555378707, ClinGen allele CA391621334.

ClinVar aggregate classification (germline): Likely pathogenic (1 of 4 stars; one submission).

Submission:

Labcorp Genetics (formerly Invitae), Labcorp
Classification: Likely pathogenic. Last evaluated: 2023-05-31. Review status: criteria provided, single submitter. Criteria: Invitae Variant Classification Sherloc (09022015). Collection method: clinical testing. Allele origin: germline.
Comment: This variant is not present in population databases (gnomAD no frequency). In summary, the currently available evidence indicates that the variant is pathogenic, but additional data are needed to prove that conclusively. Therefore, this variant has been classified as Likely Pathogenic. Algorithms developed to predict the effect of sequence changes on RNA splicing suggest that this variant may disrupt the consensus splice site. This variant has not been reported in the literature in individuals affected with SLC12A6-related conditions. This sequence change affects an acceptor splice site in intron 12 of the SLC12A6 gene. It is expected to disrupt RNA splicing. Variants that disrupt the donor or acceptor splice site typically lead to a loss of protein function (PMID: 16199547), and loss-of-function variants in SLC12A6 are known to be pathogenic (PMID: 12368912, 16606917).

Literature cited by the submitters: PubMed 16199547; PubMed 12368912; PubMed 16606917.